The following is an entry in ClinVar:

NM_000219.6(KCNE1):c.289G>C (p.Ala97Pro)

Gene: KCNE1 (potassium voltage-gated channel subfamily E regulatory subunit 1; minus strand). Cytogenetic location: 21q22.12.
Variant type: single nucleotide variant.
Coding change: c.289G>C on transcript NM_000219.6 (MANE Select); coding-DNA position 289, G replaced by C.
Protein change: p.Ala97Pro; replaces alanine 97 with proline.
Molecular consequence: missense variant.
Genome position (GRCh38, 1-based): chr21:34,449,346, C>G on the plus strand (G>C on the coding strand, the complement: KCNE1 is on the minus strand). VCF-style: chr21-34449346-C-G. GRCh37 (hg19) VCF-style: chr21-35821644-C-G.
Other names: c.289G>C, p.Ala97Pro (NM_001127668.4, NM_001127669.4, NM_001127670.4 and 4 more transcripts); short protein forms A97P.
Identifiers: ClinVar variation 3374545 (VCV003374545.2).

Conditions:
Long QT syndrome 5 (LQT5). Identifiers: Orphanet 101016, Orphanet 768, MedGen C1867904, MONDO:0013372, OMIM 613695.

Submission:

Roden Lab, Vanderbilt University Medical Center
No classification provided (evidence only). Condition: Long QT syndrome 5. Review status: no classification provided. Collection method: in vitro. Allele origin: not applicable. Functional consequence: Effect on ion channel function.
ClinVar note: "not provided" was previously submitted as the classification for the variant. However, the classification appeared to be based only on an observation of functional data so it was converted to no classification on 2025-07-30.